The following is an entry in ClinVar:

ClinVar aggregate classification (germline): Uncertain significance. Review status: criteria provided, multiple submitters, no conflicts (2 of 4 stars). 2 submissions from 2 submitters: Uncertain significance (2). Last evaluated 2022-12-05.

Conditions:
Hereditary cancer-predisposing syndrome. Also called: Hereditary neoplastic syndrome; Neoplastic Syndromes, Hereditary; Tumor predisposition; Hereditary Cancer Syndrome. Identifiers: Orphanet 140162, MedGen C0027672, MeSH D009386, MONDO:0015356.

Submissions (2):

Ambry Genetics
Classification: Uncertain significance for Hereditary cancer-predisposing syndrome. Last evaluated: 2022-12-05. Review status: criteria provided, single submitter. Criteria: Ambry Variant Classification Scheme 2023. Collection method: clinical testing. Allele origin: germline.
Comment: The p.K511R variant (also known as c.1532A>G), located in coding exon 10 of the MSH3 gene, results from an A to G substitution at nucleotide position 1532. The lysine at codon 511 is replaced by arginine, an amino acid with highly similar properties. This amino acid position is conserved. In addition, the in silico prediction for this alteration is inconclusive. Since supporting evidence is limited at this time, the clinical significance of this alteration remains unclear.

Labcorp Genetics (formerly Invitae), Labcorp
Classification: Uncertain significance. Last evaluated: 2020-09-16. Review status: criteria provided, single submitter. Criteria: Invitae Variant Classification Sherloc (09022015). Collection method: clinical testing. Allele origin: germline.
Comment: In summary, the available evidence is currently insufficient to determine the role of this variant in disease. Therefore, it has been classified as a Variant of Uncertain Significance. Algorithms developed to predict the effect of sequence changes on RNA splicing suggest that this variant may create or strengthen a splice site, but this prediction has not been confirmed by published transcriptional studies. Algorithms developed to predict the effect of missense changes on protein structure and function output the following: SIFT: "Tolerated"; PolyPhen-2: "Benign"; Align-GVGD: "Class C0". The arginine amino acid residue is found in multiple mammalian species, suggesting that this missense change does not adversely affect protein function. These predictions have not been confirmed by published functional studies and their clinical significance is uncertain. This variant has not been reported in the literature in individuals with MSH3-related conditions. This variant is not present in population databases (ExAC no frequency). This sequence change replaces lysine with arginine at codon 511 of the MSH3 protein (p.Lys511Arg). The lysine residue is highly conserved and there is a small physicochemical difference between lysine and arginine.

NM_002439.5(MSH3):c.1532A>G (p.Lys511Arg)

Gene: MSH3 (mutS homolog 3; plus strand). Cytogenetic location: 5q14.1.
Variant type: single nucleotide variant.
Coding change: c.1532A>G on transcript NM_002439.5 (MANE Select); coding-DNA position 1532, A replaced by G.
Protein change: p.Lys511Arg; replaces lysine 511 with arginine.
Molecular consequence: missense variant.
Genome position (GRCh38, 1-based): chr5:80,728,929, A>G. VCF-style: chr5-80728929-A-G. GRCh37 (hg19) VCF-style: chr5-80024748-A-G.
Other names: c.1532A>G (NM_002439.3); short protein forms K511R.
Identifiers: ClinVar variation 1003015 (VCV001003015.10), dbSNP rs1743353881, ClinGen allele CA360274305.